The following is an entry in ClinVar:

NM_139276.3(STAT3):c.1673G>A (p.Gly558Asp)

Gene: STAT3 (signal transducer and activator of transcription 3; minus strand). Cytogenetic location: 17q21.2.
Variant type: single nucleotide variant.
Coding change: c.1673G>A on transcript NM_139276.3 (MANE Select); coding-DNA position 1673, G replaced by A.
Protein change: p.Gly558Asp; replaces glycine 558 with aspartic acid.
Molecular consequence: missense variant.
Genome position (GRCh38, 1-based): chr17:42,323,335, C>T on the plus strand (G>A on the coding strand, the complement: STAT3 is on the minus strand). VCF-style: chr17-42323335-C-T. GRCh37 (hg19) VCF-style: chr17-40475353-C-T.
Other names: c.1673G>A, p.Gly558Asp (NM_001369512.1, NM_001369513.1, NM_001369514.1 and 10 more transcripts); c.1589G>A, p.Gly530Asp (NM_001384984.1); c.1595G>A, p.Gly532Asp (NM_001384985.1); c.1688G>A, p.Gly563Asp (NM_001384986.1, NM_001384990.1); c.1652G>A, p.Gly551Asp (NM_001384987.1); c.1577G>A, p.Gly526Asp (NM_001384989.1); c.1613G>A, p.Gly538Asp (NM_001384992.1); short protein forms G563D, G526D, G530D, G532D, G551D, G538D, G558D.
Identifiers: ClinVar variation 2036086 (VCV002036086.4), dbSNP rs1371837147, ClinGen allele CA399583819.

ClinVar aggregate classification (germline): Uncertain significance (1 of 4 stars; one submission).

Conditions:
Hyper-IgE recurrent infection syndrome 1, autosomal dominant. Also called: JOB SYNDROME; HYPER-IgE SYNDROME 1, AUTOSOMAL DOMINANT, WITH RECURRENT INFECTIONS; Job's Syndrome; STAT3 Hyper IgE Syndrome; Hyper-IgE recurrent infection syndrome 1. Identifiers: Orphanet 2314, MedGen C2936739, MONDO:0007818, OMIM 147060.
STAT3 gain of function. Identifiers: MedGen C4288261.

Submission:

Labcorp Genetics (formerly Invitae), Labcorp
Classification: Uncertain significance for STAT3 gain of function; Hyper-IgE recurrent infection syndrome 1, autosomal dominant. Last evaluated: 2021-12-07. Review status: criteria provided, single submitter. Criteria: Invitae Variant Classification Sherloc (09022015). Collection method: clinical testing. Allele origin: germline.
Comment: In summary, the available evidence is currently insufficient to determine the role of this variant in disease. Therefore, it has been classified as a Variant of Uncertain Significance. Advanced modeling of protein sequence and biophysical properties (such as structural, functional, and spatial information, amino acid conservation, physicochemical variation, residue mobility, and thermodynamic stability) performed at Invitae indicates that this missense variant is not expected to disrupt STAT3 protein function. This variant has not been reported in the literature in individuals affected with STAT3-related conditions. This variant is not present in population databases (gnomAD no frequency). This sequence change replaces glycine, which is neutral and non-polar, with aspartic acid, which is acidic and polar, at codon 558 of the STAT3 protein (p.Gly558Asp).